The following is an entry in ClinVar:

ClinVar aggregate classification (germline): Uncertain significance (1 of 4 stars; one submission).

Conditions:
Perlman syndrome (PRLMNS). Identifiers: Orphanet 2849, MedGen C0796113, MONDO:0009965, OMIM 267000.

Allele frequency attached by ClinVar (database versions not stated): TOPMed 0.00003; gnomAD 0.00005 and 0.00006; ESP Exome Variant Server 0.00023.
gnomAD v4.1: 59 of 1,612,534 alleles (0.0037%); highest among the groups gnomAD compares: African/African-American, 0.017%; no homozygotes.

Submission:

Labcorp Genetics (formerly Invitae), Labcorp
Classification: Uncertain significance for Perlman syndrome. Last evaluated: 2025-07-29. Review status: criteria provided, single submitter. Criteria: Invitae Variant Classification Sherloc (09022015). Collection method: clinical testing. Allele origin: germline.
Comment: This sequence change replaces valine, which is neutral and non-polar, with isoleucine, which is neutral and non-polar, at codon 709 of the DIS3L2 protein (p.Val709Ile). This variant is present in population databases (rs199537907, gnomAD 0.01%). This variant has not been reported in the literature in individuals affected with DIS3L2-related conditions. ClinVar contains an entry for this variant (Variation ID: 660573). Invitae Evidence Modeling of protein sequence and biophysical properties (such as structural, functional, and spatial information, amino acid conservation, physicochemical variation, residue mobility, and thermodynamic stability) indicates that this missense variant is not expected to disrupt DIS3L2 protein function with a negative predictive value of 80%. In summary, the available evidence is currently insufficient to determine the role of this variant in disease. Therefore, it has been classified as a Variant of Uncertain Significance.

NM_152383.5(DIS3L2):c.2125G>A (p.Val709Ile)

Gene: DIS3L2 (DIS3 like 3'-5' exoribonuclease 2; plus strand). Cytogenetic location: 2q37.1.
Variant type: single nucleotide variant.
Coding change: c.2125G>A on transcript NM_152383.5 (MANE Select); coding-DNA position 2125, G replaced by A.
Protein change: p.Val709Ile; replaces valine 709 with isoleucine.
Molecular consequence: missense variant. On other transcripts: non-coding transcript variant (2), intron variant (1).
Genome position (GRCh38, 1-based): chr2:232,333,954, G>A. VCF-style: chr2-232333954-G-A. GRCh37 (hg19) VCF-style: chr2-233198664-G-A.
Other names: c.1582-9391G>A (NM_001257281.2); short protein forms V709I.
Identifiers: ClinVar variation 660573 (VCV000660573.8), dbSNP rs199537907, ClinGen allele CA2164397.